The following is an entry in ClinVar:

ClinVar aggregate classification (germline): Pathogenic/Likely pathogenic. Review status: criteria provided, multiple submitters, no conflicts (2 of 4 stars). 5 submissions from 5 submitters: Pathogenic (2); Likely pathogenic (3). Last evaluated 2026-03-09.

Conditions:
EPB41-related disorders.
Elliptocytosis 1 (EL1). Also called: 4.1- TRAIT; 4.1-MINUS TRAIT; ELLIPTOCYTOSIS, RHESUS-LINKED TYPE; PROTEIN 4.1 OF ERYTHROCYTE MEMBRANE, DEFECT OF. Identifiers: Orphanet 288, MedGen C2678497, MONDO:0012731, OMIM 611804.

gnomAD v4.1: 2 of 1,614,110 alleles (0.00012%); highest among the groups gnomAD compares: Non-Finnish European, 0.00017%; no homozygotes.

Submissions (5):

Dasa
Classification: Likely pathogenic. Last evaluated: 2026-03-09. Review status: criteria provided, single submitter. Criteria: DASA Assertion Criteria. Collection method: clinical testing. Allele origin: germline.
Comment: NM_001376013.1(EPB41):c.1660C>T (p.Arg554*) is a nonsense variant in EPB41 predicted to introduce a premature termination codon and is predicted to result in an absent or altered protein product. Loss of function is an established disease mechanism for EPB41-associated disorders. Also, this variant is rare in population databases. Based on the currently available evidence, this variant is classified as likely pathogenic.

Mayo Clinic Laboratories, Mayo Clinic
Classification: Likely pathogenic. Last evaluated: 2023-08-04. Review status: criteria provided, single submitter. Criteria: ACMG Guidelines, 2015. Collection method: clinical testing. Allele origin: germline. Observed: 1 variant allele.

Labcorp Genetics (formerly Invitae), Labcorp
Classification: Pathogenic. Last evaluated: 2022-09-08. Review status: criteria provided, single submitter. Criteria: Invitae Variant Classification Sherloc (09022015). Collection method: clinical testing. Allele origin: germline.
Comment: This sequence change creates a premature translational stop signal (p.Arg345*) in the EPB41 gene. It is expected to result in an absent or disrupted protein product. Loss-of-function variants in EPB41 are known to be pathogenic (PMID: 21839655, 27551681, 27667160, 33942936). This variant is not present in population databases (gnomAD no frequency). This variant has not been reported in the literature in individuals affected with EPB41-related conditions. For these reasons, this variant has been classified as Pathogenic.

Revvity Omics, Revvity
Classification: Likely pathogenic for Elliptocytosis 1. Last evaluated: 2021-12-27. Review status: criteria provided, single submitter. Criteria: ACMG Guidelines, 2015. Collection method: clinical testing. Allele origin: germline.

Blueprint Genetics
Classification: Pathogenic for EPB41-related disorders. Last evaluated: 2019-12-13. Review status: criteria provided, single submitter. Criteria: ACMG Guidelines, 2015. Collection method: clinical testing. Allele origin: germline. Affected: yes. Observed: 4 variant alleles.

Literature cited by the submitters: PubMed 21839655 (cited by Labcorp Genetics (formerly Invitae), Labcorp); PubMed 27551681 (cited by Labcorp Genetics (formerly Invitae), Labcorp); PubMed 27667160 (cited by Labcorp Genetics (formerly Invitae), Labcorp); PubMed 33942936 (cited by Labcorp Genetics (formerly Invitae), Labcorp).

NM_001376013.1(EPB41):c.1660C>T (p.Arg554Ter)

Gene: EPB41 (erythrocyte membrane protein band 4.1; plus strand). Cytogenetic location: 1p35.3.
Variant type: single nucleotide variant.
Coding change: c.1660C>T on transcript NM_001376013.1 (MANE Select); coding-DNA position 1660, C replaced by T.
Protein change: p.Arg554Ter; replaces arginine 554 with a stop codon.
Molecular consequence: nonsense.
Genome position (GRCh38, 1-based): chr1:29,053,127, C>T. VCF-style: chr1-29053127-C-T. GRCh37 (hg19) VCF-style: chr1-29379639-C-T.
Other names: p.Arg554*; c.1660C>T, p.Arg554Ter (NM_001166005.2, NM_001166006.2, NM_001376014.1 and 5 more transcripts); c.1033C>T, p.Arg345Ter (NM_001166007.2, NM_001376022.1, NM_001376023.1 and 5 more transcripts); c.1657C>T, p.Arg553Ter (NM_001376018.1, NM_001376020.1); c.1030C>T, p.Arg344Ter (NM_001376026.1, NM_001376028.1); c.1555C>T, p.Arg519Ter (NM_203343.3); c.1660C>T (NM_001166005.1); short protein forms R344*, R345*, R519*, R553*, R554*.
Identifiers: ClinVar variation 1951469 (VCV001951469.12), dbSNP rs2548448730, ClinGen allele CA339525635.